The following is an entry in ClinVar:

NM_020975.6(RET):c.1038C>G (p.Phe346Leu)

Gene: RET (ret proto-oncogene; plus strand). Cytogenetic location: 10q11.21.
Variant type: single nucleotide variant.
Coding change: c.1038C>G on transcript NM_020975.6 (MANE Select); coding-DNA position 1038, C replaced by G.
Protein change: p.Phe346Leu; replaces phenylalanine 346 with leucine.
Molecular consequence: missense variant.
Genome position (GRCh38, 1-based): chr10:43,106,546, C>G. VCF-style: chr10-43106546-C-G. GRCh37 (hg19) VCF-style: chr10-43601994-C-G.
Other names: c.1038C>G, p.Phe346Leu (NM_000323.2, NM_001406743.1, NM_001406744.1 and 6 more transcripts); c.276C>G, p.Phe92Leu (NM_001355216.2); c.909C>G, p.Phe303Leu (NM_001406761.1, NM_001406762.1, NM_001406764.1 and 1 more transcripts); c.750C>G, p.Phe250Leu (NM_001406766.1, NM_001406767.1, NM_001406770.1); short protein forms F346L, F92L, F303L, F250L.
Identifiers: ClinVar variation 1516931 (VCV001516931.7), dbSNP rs1240935395, ClinGen allele CA376546463.

ClinVar aggregate classification (germline): Uncertain significance (1 of 4 stars; one submission).

Conditions:
Multiple endocrine neoplasia, type 2 (MEN2). Identifiers: Orphanet 653, MedGen C4048306, MONDO:0019003. Disease mechanism: gain of function.

Submission:

Labcorp Genetics (formerly Invitae), Labcorp
Classification: Uncertain significance for Multiple endocrine neoplasia, type 2. Last evaluated: 2021-09-01. Review status: criteria provided, single submitter. Criteria: Invitae Variant Classification Sherloc (09022015). Collection method: clinical testing. Allele origin: germline.
Comment: In summary, the available evidence is currently insufficient to determine the role of this variant in disease. Therefore, it has been classified as a Variant of Uncertain Significance. Algorithms developed to predict the effect of missense changes on protein structure and function (SIFT, PolyPhen-2, Align-GVGD) all suggest that this variant is likely to be tolerated. This variant has not been reported in the literature in individuals affected with RET-related conditions. This variant is not present in population databases (ExAC no frequency). This sequence change replaces phenylalanine with leucine at codon 346 of the RET protein (p.Phe346Leu). The phenylalanine residue is weakly conserved and there is a small physicochemical difference between phenylalanine and leucine.